The following is an entry in ClinVar:

ClinVar aggregate classification (germline): Likely benign (1 of 4 stars; one submission).

gnomAD v4.1: 20 of 1,067,433 alleles (0.0019%); highest among the groups gnomAD compares: African/African-American, 0.0077%; no homozygotes.

Submission:

CeGaT Center for Human Genetics Tuebingen
Classification: Likely benign. Last evaluated: 2025-12-01. Review status: criteria provided, single submitter. Criteria: CeGaT Center For Human Genetics Tuebingen Variant Classification Criteria Version 2. Collection method: clinical testing. Allele origin: germline. Affected: yes. Observed: 1 variant allele.
Comment: FRMPD4: BS2

NM_001368397.1(FRMPD4):c.4148G>A (p.Arg1383Gln)

Gene: FRMPD4 (FERM and PDZ domain containing 4; plus strand). Cytogenetic location: Xp22.2.
Variant type: single nucleotide variant.
Coding change: c.4148G>A on transcript NM_001368397.1 (MANE Select); coding-DNA position 4148, G replaced by A.
Protein change: p.Arg1383Gln; replaces arginine 1383 with glutamine.
Molecular consequence: missense variant. On other transcripts: 3 prime UTR variant (6).
Genome position (GRCh38, 1-based): chrX:12,720,717, G>A. VCF-style: chrX-12720717-G-A. GRCh37 (hg19) VCF-style: chrX-12738836-G-A.
Other names: c.4259G>A, p.Arg1420Gln (NM_001368395.3); c.4154G>A, p.Arg1385Gln (NM_001368396.3); c.*184G>A (NM_001368398.3, NM_001368399.3, NM_001368400.3 and 3 more transcripts); short protein forms R1383Q, R1385Q, R1420Q.
Identifiers: ClinVar variation 4681696 (VCV004681696.5).
Genomic context (GRCh38, chrX:12,720,717, plus strand): 5'-ATCAAGACCCTAATGATTTCTCCCAAGCAAATCAGGCATACGGAGAGGCTGTGAGCTGGC[G>A]GCCACCGGATCTGAGAGGGGGGAGCCTCAGGACACCTCCCAGCCAGAAGGCTCTGAGACA-3'
Protein context (NP_001355326.1, residues 1373-1393): NQAYGEAVSW[Arg1383Gln]PPDLRGGSLR